The following is an entry in ClinVar:

NM_002609.4(PDGFRB):c.2477A>G (p.Asp826Gly)

Gene: PDGFRB (platelet derived growth factor receptor beta; minus strand). Cytogenetic location: 5q32.
Variant type: single nucleotide variant.
Coding change: c.2477A>G on transcript NM_002609.4 (MANE Select); coding-DNA position 2477, A replaced by G.
Protein change: p.Asp826Gly; replaces aspartic acid 826 with glycine.
Molecular consequence: missense variant.
Genome position (GRCh38, 1-based): chr5:150,120,997, T>C on the plus strand (A>G on the coding strand, the complement: PDGFRB is on the minus strand). VCF-style: chr5-150120997-T-C. GRCh37 (hg19) VCF-style: chr5-149500560-T-C.
Other names: c.2285A>G, p.Asp762Gly (NM_001355016.2); c.1994A>G, p.Asp665Gly (NM_001355017.2); short protein forms D665G, D762G, D826G.
Identifiers: ClinVar variation 4822887 (VCV004822887.4).

ClinVar aggregate classification (germline): Uncertain significance (1 of 4 stars; one submission).

Submission:

CeGaT Center for Human Genetics Tuebingen
Classification: Uncertain significance. Last evaluated: 2026-01-01. Review status: criteria provided, single submitter. Criteria: CeGaT Center For Human Genetics Tuebingen Variant Classification Criteria Version 2. Collection method: clinical testing. Allele origin: germline. Affected: yes. Observed: 1 variant allele.
Comment: PDGFRB: PM2, PM5:Supporting, PP2, PP3